The following is an entry in ClinVar:

ClinVar aggregate classification (germline): Uncertain significance. Review status: criteria provided, multiple submitters, no conflicts (2 of 4 stars). 3 submissions from 3 submitters: Uncertain significance (3). Last evaluated 2025-04-14.

Conditions:
Leukodystrophy, hypomyelinating, 4. Also called: MITCHAP60 DISEASE; MITOCHONDRIAL HSP60 CHAPERONOPATHY. Identifiers: Orphanet 280270, Orphanet 280288, MedGen C2677109, MONDO:0012824, OMIM 612233.
Hereditary spastic paraplegia 13 (SPG13). Also called: SPASTIC PARAPLEGIA 13, AUTOSOMAL DOMINANT; Spastic paraplegia 13. Identifiers: Orphanet 100994, MedGen C1854467, MONDO:0011532, OMIM 605280.
Spastic paraplegia. Identifiers: MedGen C0037772, HP:0001258.

Allele frequency attached by ClinVar (database versions not stated): gnomAD 0.00001; gnomAD exomes 0.00001.
gnomAD v4.1: 11 of 1,612,892 alleles (0.00068%); highest among the groups gnomAD compares: Non-Finnish European, 0.00085%; no homozygotes.

Submissions (3):

Labcorp Genetics (formerly Invitae), Labcorp
Classification: Uncertain significance for Spastic paraplegia. Last evaluated: 2025-04-14. Review status: criteria provided, single submitter. Criteria: Invitae Variant Classification Sherloc (09022015). Collection method: clinical testing. Allele origin: germline.
Comment: This sequence change replaces serine, which is neutral and polar, with threonine, which is neutral and polar, at codon 488 of the HSPD1 protein (p.Ser488Thr). This variant is not present in population databases (gnomAD no frequency). This variant has not been reported in the literature in individuals affected with HSPD1-related conditions. ClinVar contains an entry for this variant (Variation ID: 2693833). Invitae Evidence Modeling of protein sequence and biophysical properties (such as structural, functional, and spatial information, amino acid conservation, physicochemical variation, residue mobility, and thermodynamic stability) indicates that this missense variant is not expected to disrupt HSPD1 protein function with a negative predictive value of 80%. In summary, the available evidence is currently insufficient to determine the role of this variant in disease. Therefore, it has been classified as a Variant of Uncertain Significance.

Athena Diagnostics
Classification: Uncertain significance. Last evaluated: 2024-12-19. Review status: criteria provided, single submitter. Criteria: Athena Diagnostics Criteria. Collection method: clinical testing. Allele origin: unknown.
Comment: Available data are insufficient to determine the clinical significance of the variant at this time. The frequency of this variant in the general population is uninformative in assessment of its pathogenicity. Polyphen and MutationTaster predict this amino acid change may be damaging to the protein.

Department of Pathology and Laboratory Medicine, Sinai Health System
Classification: Uncertain significance for Hereditary spastic paraplegia 13; Leukodystrophy, hypomyelinating, 4. Last evaluated: 2021-07-30. Review status: criteria provided, single submitter. Criteria: ACMG Guidelines, 2015. Collection method: research. Allele origin: germline.

Literature cited by the submitters: PubMed 33014020 (cited by Athena Diagnostics).

NM_002156.5(HSPD1):c.1462T>A (p.Ser488Thr)

Gene: HSPD1 (heat shock protein family D (Hsp60) member 1; minus strand). Cytogenetic location: 2q33.1.
Variant type: single nucleotide variant.
Coding change: c.1462T>A on transcript NM_002156.5 (MANE Select); coding-DNA position 1462, T replaced by A.
Protein change: p.Ser488Thr; replaces serine 488 with threonine.
Molecular consequence: missense variant.
Genome position (GRCh38, 1-based): chr2:197,487,965, A>T on the plus strand (T>A on the coding strand, the complement: HSPD1 is on the minus strand). VCF-style: chr2-197487965-A-T. GRCh37 (hg19) VCF-style: chr2-198352689-A-T.
Other names: c.1462T>A (NM_002156.4); c.1462T>A, p.Ser488Thr (NM_199440.2); short protein forms S488T.
Identifiers: ClinVar variation 2693833 (VCV002693833.5), dbSNP rs1559300150, ClinGen allele CA350198426.
Genomic context (GRCh38, chr2:197,487,965, plus strand): 5'-CAGCCATAGCATCATAACCAACTTCTGAGGAACTTTGCATAATTTTCTCAACTATCAAAG[A>T]TCCTTCAACACCTGCATTCTTAGCAATGGTCATTGCTGGAATTTTGAGTGTTCTTTTAAT-3'
Protein context (NP_002147.2, residues 478-498): TIAKNAGVEG[Ser488Thr]LIVEKIMQSS